The following is an entry in ClinVar:

NM_152328.5(ADSS1):c.193-5130G>A

Gene: ADSS1 (adenylosuccinate synthase 1; plus strand). Cytogenetic location: 14q32.33.
Variant type: single nucleotide variant.
Coding change: c.193-5130G>A on transcript NM_152328.5 (MANE Select); 5130 bases into the intron before coding-DNA position 193, G replaced by A.
Molecular consequence: intron variant. On other transcripts: 5 prime UTR variant (2).
Genome position (GRCh38, 1-based): chr14:104,729,890, G>A. VCF-style: chr14-104729890-G-A. GRCh37 (hg19) VCF-style: chr14-105196227-G-A.
Other names: c.-730G>A (NM_001320424.1); c.-3G>A (NM_199165.2).
Identifiers: ClinVar variation 3031731 (VCV003031731.2), dbSNP rs974092156, ClinGen allele CA616584823.

ClinVar aggregate classification (germline): Likely benign (0 of 4 stars; one submission).

Conditions:
ADSS1-related disorder. Also called: ADSS1-related condition.

Allele frequency attached by ClinVar (database versions not stated): gnomAD exomes 0.00002.

Submission:

PreventionGenetics, part of Exact Sciences
Classification: Likely benign for ADSS1-related condition. Last evaluated: 2020-09-03. Review status: no assertion criteria provided. Collection method: clinical testing. Allele origin: germline.
Comment: This variant is classified as likely benign based on ACMG/AMP sequence variant interpretation guidelines (Richards et al. 2015 PMID: 25741868, with internal and published modifications).